The following is an entry in ClinVar:

NM_004415.4(DSP):c.6352A>G (p.Arg2118Gly)

Gene: DSP (desmoplakin; plus strand). Cytogenetic location: 6p24.3.
Variant type: single nucleotide variant.
Coding change: c.6352A>G on transcript NM_004415.4 (MANE Select); coding-DNA position 6352, A replaced by G.
Protein change: p.Arg2118Gly; replaces arginine 2118 with glycine.
Molecular consequence: missense variant.
Genome position (GRCh38, 1-based): chr6:7,583,614, A>G. VCF-style: chr6-7583614-A-G. GRCh37 (hg19) VCF-style: chr6-7583847-A-G.
Other names: c.4555A>G, p.Arg1519Gly (NM_001008844.3); c.5023A>G, p.Arg1675Gly (NM_001319034.2); short protein forms R1519G, R1675G, R2118G.
Identifiers: ClinVar variation 1331777 (VCV001331777.7), dbSNP rs1311515571, ClinGen allele CA362690615.

ClinVar aggregate classification (germline): Uncertain significance. Review status: criteria provided, multiple submitters, no conflicts (2 of 4 stars). 4 submissions from 4 submitters: Uncertain significance (4). Last evaluated 2025-05-08.

Conditions:
Cardiovascular phenotype. Identifiers: MedGen CN230736.
Cardiomyopathy (CMYO). Also called: Cardiomyopathies. Identifiers: Orphanet 167848, MedGen C0878544, MONDO:0004994, HP:0001638. Inheritance: Various modes of inheritance.
Arrhythmogenic right ventricular dysplasia 8 (ARVD8). Also called: Arrhythmogenic Right Ventricular Dysplasia/Cardiomyopathy 8; ARRHYTHMOGENIC RIGHT VENTRICULAR DYSPLASIA, FAMILIAL, 8; ARRHYTHMOGENIC RIGHT VENTRICULAR CARDIOMYOPATHY 8. Identifiers: MedGen C1843896, MONDO:0011831, OMIM 607450.
Arrhythmogenic cardiomyopathy with wooly hair and keratoderma. Also called: Carvajal syndrome; Dilated cardiomyopathy with woolly hair and keratoderma; Arrhythmogenic cardiomyopathy with woolly hair and keratoderma; PALMOPLANTAR KERATODERMA WITH LEFT VENTRICULAR CARDIOMYOPATHY AND WOOLLY HAIR. Identifiers: Orphanet 65282, MedGen C1854063, MONDO:0011581, OMIM 605676.

Allele frequency attached by ClinVar (database versions not stated): gnomAD exomes below 0.00001.
gnomAD v4.1: 3 of 1,614,188 alleles (0.00019%); highest among the groups gnomAD compares: South Asian, 0.0011%; no homozygotes.

Submissions (4):

Labcorp Genetics (formerly Invitae), Labcorp
Classification: Uncertain significance for Arrhythmogenic cardiomyopathy with wooly hair and keratoderma; Arrhythmogenic right ventricular dysplasia 8. Last evaluated: 2025-05-08. Review status: criteria provided, single submitter. Criteria: Invitae Variant Classification Sherloc (09022015). Collection method: clinical testing. Allele origin: germline.
Comment: This sequence change replaces arginine, which is basic and polar, with glycine, which is neutral and non-polar, at codon 2118 of the DSP protein (p.Arg2118Gly). This variant is present in population databases (no rsID available, gnomAD 0.0009%). This variant has not been reported in the literature in individuals affected with DSP-related conditions. ClinVar contains an entry for this variant (Variation ID: 1331777). An algorithm developed to predict the effect of missense changes on protein structure and function (PolyPhen-2) suggests that this variant is likely to be tolerated. In summary, the available evidence is currently insufficient to determine the role of this variant in disease. Therefore, it has been classified as a Variant of Uncertain Significance.

Color Diagnostics, LLC DBA Color Health
Classification: Uncertain significance for Cardiomyopathy. Last evaluated: 2024-03-06. Review status: criteria provided, single submitter. Criteria: ACMG Guidelines, 2015. Collection method: clinical testing. Allele origin: germline.
Comment: This missense variant replaces arginine with glycine at codon 2118 of the DSP protein. Computational prediction suggests that this variant may not impact protein structure and function (internally defined REVEL score threshold <= 0.5, PMID: 27666373). To our knowledge, functional studies have not been reported for this variant. This variant has not been reported in individuals affected with cardiovascular disorders in the literature. This variant has been identified in 1/251354 chromosomes in the general population by the Genome Aggregation Database (gnomAD). The available evidence is insufficient to determine the role of this variant in disease conclusively. Therefore, this variant is classified as a Variant of Uncertain Significance.

Ambry Genetics
Classification: Uncertain significance for Cardiovascular phenotype. Last evaluated: 2024-02-01. Review status: criteria provided, single submitter. Criteria: Ambry Variant Classification Scheme 2023. Collection method: clinical testing. Allele origin: germline.
Comment: The p.R2118G variant (also known as c.6352A>G), located in coding exon 24 of the DSP gene, results from an A to G substitution at nucleotide position 6352. The arginine at codon 2118 is replaced by glycine, an amino acid with dissimilar properties. This amino acid position is conserved. In addition, this alteration is predicted to be tolerated by in silico analysis. Based on the available evidence, the clinical significance of this alteration remains unclear.

Blueprint Genetics
Classification: Uncertain significance. Last evaluated: 2022-08-10. Review status: criteria provided, single submitter. Criteria: ACMG Guidelines, 2015. Collection method: clinical testing. Allele origin: germline.